The following is an entry in ClinVar:

NM_016169.4(SUFU):c.967G>A (p.Val323Ile)

Gene: SUFU (SUFU negative regulator of hedgehog signaling; plus strand). Cytogenetic location: 10q24.32.
Variant type: single nucleotide variant.
Coding change: c.967G>A on transcript NM_016169.4 (MANE Select); coding-DNA position 967, G replaced by A.
Protein change: p.Val323Ile; replaces valine 323 with isoleucine.
Molecular consequence: missense variant.
Genome position (GRCh38, 1-based): chr10:102,599,489, G>A. VCF-style: chr10-102599489-G-A. GRCh37 (hg19) VCF-style: chr10-104359246-G-A.
Other names: c.967G>A, p.Val323Ile (NM_001178133.2); short protein forms V323I.
Identifiers: ClinVar variation 1417036 (VCV001417036.9), dbSNP rs1420089970, ClinGen allele CA377911104.
Genomic context (GRCh38, chr10:102,599,489, plus strand): 5'-GCAGACACAGAGCAGATCCGGGAGACCCTGAGGAGAGGACTCGAGATCAACAGCAAACCT[G>A]TCCTTCCACCAATCAACCCTCAGCGGCAGAATGGCCTCGCCCACGACCGGGCCCCGTAAG-3'
Protein context (NP_057253.2, residues 313-333): RRGLEINSKP[Val323Ile]LPPINPQRQN

ClinVar aggregate classification (germline): Uncertain significance. Review status: criteria provided, multiple submitters, no conflicts (2 of 4 stars). 2 submissions from 2 submitters: Uncertain significance (2). Last evaluated 2025-06-09.

Conditions:
Gorlin syndrome. Also called: Nevoid Basal Cell Carcinoma Syndrome; Basal cell nevus syndrome. Identifiers: Orphanet 377, MedGen C0004779, MONDO:0007187.
Medulloblastoma (MDB). Also called: MEDULLOBLASTOMA PREDISPOSITION SYNDROME; Medulloblastoma, somatic. Identifiers: Orphanet 616, MedGen C0025149, MeSH D008527, MONDO:0007959, OMIM 155255, HP:0002885.
Hereditary cancer-predisposing syndrome. Also called: Hereditary neoplastic syndrome; Neoplastic Syndromes, Hereditary; Hereditary Cancer Syndrome; Tumor predisposition. Identifiers: Orphanet 140162, MedGen C0027672, MeSH D009386, MONDO:0015356.

Allele frequency attached by ClinVar (database versions not stated): gnomAD exomes below 0.00001; gnomAD 0.00001.
gnomAD v4.1: 13 of 1,614,052 alleles (0.00081%); highest among the groups gnomAD compares: Non-Finnish European, 0.0011%; no homozygotes.

Submissions (2):

Labcorp Genetics (formerly Invitae), Labcorp
Classification: Uncertain significance for Gorlin syndrome; Medulloblastoma. Last evaluated: 2025-06-09. Review status: criteria provided, single submitter. Criteria: Invitae Variant Classification Sherloc (09022015). Collection method: clinical testing. Allele origin: germline.
Comment: This sequence change replaces valine, which is neutral and non-polar, with isoleucine, which is neutral and non-polar, at codon 323 of the SUFU protein (p.Val323Ile). This variant is present in population databases (no rsID available, gnomAD 0.0009%). This variant has not been reported in the literature in individuals affected with SUFU-related conditions. ClinVar contains an entry for this variant (Variation ID: 1417036). Invitae Evidence Modeling of protein sequence and biophysical properties (such as structural, functional, and spatial information, amino acid conservation, physicochemical variation, residue mobility, and thermodynamic stability) indicates that this missense variant is not expected to disrupt SUFU protein function with a negative predictive value of 80%. In summary, the available evidence is currently insufficient to determine the role of this variant in disease. Therefore, it has been classified as a Variant of Uncertain Significance.

Ambry Genetics
Classification: Uncertain significance for Hereditary cancer-predisposing syndrome. Last evaluated: 2024-12-22. Review status: criteria provided, single submitter. Criteria: Ambry Variant Classification Scheme 2023. Collection method: clinical testing. Allele origin: germline.
Comment: The p.V323I variant (also known as c.967G>A), located in coding exon 8 of the SUFU gene, results from a G to A substitution at nucleotide position 967. The valine at codon 323 is replaced by isoleucine, an amino acid with highly similar properties. This amino acid position is not well conserved in available vertebrate species, and isoleucine is the reference amino acid in other vertebrate species. In addition, this alteration is predicted to be tolerated by in silico analysis. Since supporting evidence is limited at this time, the clinical significance of this alteration remains unclear.